The following is an entry in ClinVar:

ClinVar aggregate classification (germline): Conflicting classifications of pathogenicity. Review status: criteria provided, conflicting classifications (1 of 4 stars). 3 submissions from 3 submitters: Uncertain significance (2); Likely benign (1). Last evaluated 2023-05-08.

Conditions:
Hereditary cancer-predisposing syndrome. Also called: Neoplastic Syndromes, Hereditary; Tumor predisposition; Hereditary Cancer Syndrome; Hereditary neoplastic syndrome. Identifiers: Orphanet 140162, MedGen C0027672, MeSH D009386, MONDO:0015356.
Hereditary breast ovarian cancer syndrome. Also called: Hereditary breast and ovarian cancer; Hereditary breast and ovarian cancer syndrome (HBOC); Hereditary breast and ovarian cancer syndrome; BRCA1- and BRCA2-Associated Hereditary Breast and Ovarian Cancer; Hereditary breast and/or ovarian cancer syndrome; Breast and ovarian cancer. Identifiers: Orphanet 145, MedGen C0677776, MeSH D061325, MONDO:0003582. Disease mechanism: loss of function.

Submissions (3):

Labcorp Genetics (formerly Invitae), Labcorp
Classification: Uncertain significance for Hereditary breast ovarian cancer syndrome. Last evaluated: 2023-05-08. Review status: criteria provided, single submitter. Criteria: Invitae Variant Classification Sherloc (09022015). Collection method: clinical testing. Allele origin: germline.
Comment: In summary, the available evidence is currently insufficient to determine the role of this variant in disease. Therefore, it has been classified as a Variant of Uncertain Significance. Advanced modeling of protein sequence and biophysical properties (such as structural, functional, and spatial information, amino acid conservation, physicochemical variation, residue mobility, and thermodynamic stability) performed at Invitae indicates that this missense variant is not expected to disrupt BRCA2 protein function. ClinVar contains an entry for this variant (Variation ID: 1027602). This variant has not been reported in the literature in individuals affected with BRCA2-related conditions. This variant is not present in population databases (gnomAD no frequency). This sequence change replaces aspartic acid, which is acidic and polar, with asparagine, which is neutral and polar, at codon 1911 of the BRCA2 protein (p.Asp1911Asn).

University of Washington Department of Laboratory Medicine, University of Washington
Classification: Likely benign for Hereditary cancer-predisposing syndrome. Last evaluated: 2023-03-23. Review status: criteria provided, single submitter. Criteria: Dines et al. (Genet Med. 2020). Collection method: curation. Allele origin: germline.
Comment: Missense variant in a coldspot region where missense variants are very unlikely to be pathogenic (PMID:31911673).

BRCA2 exon 11 coldspot. Reclassification based on statistical prior probability.

Women's Health and Genetics/Laboratory Corporation of America, LabCorp
Classification: Uncertain significance. Last evaluated: 2021-02-27. Review status: criteria provided, single submitter. Criteria: LabCorp Variant Classification Summary - May 2015. Collection method: clinical testing. Allele origin: germline.
Comment: Variant summary: BRCA2 c.5731G>A (p.Asp1911Asn) results in a conservative amino acid change in the encoded protein sequence. Five of five in-silico tools predict a benign effect of the variant on protein function. The variant was absent in 250918 control chromosomes. The available data on variant occurrences in the general population are insufficient to allow any conclusion about variant significance. To our knowledge, no occurrence of c.5731G>A in individuals affected with Hereditary Breast And Ovarian Cancer Syndrome and no experimental evidence demonstrating its impact on protein function have been reported. No clinical diagnostic laboratories have submitted clinical-significance assessments for this variant to ClinVar after 2014. Based on the evidence outlined above, the variant was classified as uncertain significance.

NM_000059.4(BRCA2):c.5731G>A (p.Asp1911Asn)

Gene: BRCA2 (BRCA2 DNA repair associated; plus strand). Cytogenetic location: 13q13.1.
Variant type: single nucleotide variant.
Coding change: c.5731G>A on transcript NM_000059.4 (MANE Select); coding-DNA position 5731, G replaced by A.
Protein change: p.Asp1911Asn; replaces aspartic acid 1911 with asparagine.
Molecular consequence: missense variant.
Genome position (GRCh38, 1-based): chr13:32,340,086, G>A. VCF-style: chr13-32340086-G-A. GRCh37 (hg19) VCF-style: chr13-32914223-G-A.
Other names: short protein forms D1911N.
Identifiers: ClinVar variation 1027602 (VCV001027602.5), dbSNP rs2072537137, ClinGen allele CA387786915.